The following is an entry in ClinVar:

ClinVar aggregate classification (germline): Uncertain significance (1 of 4 stars; one submission).

Allele frequency attached by ClinVar (database versions not stated): TOPMed 0.00002; ESP Exome Variant Server 0.00008.
gnomAD v4.1: 54 of 1,613,824 alleles (0.0033%); highest among the groups gnomAD compares: East Asian, 0.0045%; no homozygotes.

Submission:

Labcorp Genetics (formerly Invitae), Labcorp
Classification: Uncertain significance. Last evaluated: 2024-03-27. Review status: criteria provided, single submitter. Criteria: Invitae Variant Classification Sherloc (09022015). Collection method: clinical testing. Allele origin: germline.
Comment: This sequence change replaces asparagine, which is neutral and polar, with serine, which is neutral and polar, at codon 443 of the DEAF1 protein (p.Asn443Ser). This variant is present in population databases (rs373166398, gnomAD 0.01%). This variant has not been reported in the literature in individuals affected with DEAF1-related conditions. ClinVar contains an entry for this variant (Variation ID: 1000363). Advanced modeling of protein sequence and biophysical properties (such as structural, functional, and spatial information, amino acid conservation, physicochemical variation, residue mobility, and thermodynamic stability) performed at Invitae indicates that this missense variant is not expected to disrupt DEAF1 protein function with a negative predictive value of 80%. In summary, the available evidence is currently insufficient to determine the role of this variant in disease. Therefore, it has been classified as a Variant of Uncertain Significance.

NM_021008.4(DEAF1):c.1328A>G (p.Asn443Ser)

Genes: DEAF1 (DEAF1 transcription factor; minus strand), LOC126861109 (BRD4-independent group 4 enhancer GRCh37_chr11:673917-675116; plus strand). Cytogenetic location: 11p15.5.
Variant type: single nucleotide variant.
Coding change: c.1328A>G on transcript NM_021008.4 (MANE Select); coding-DNA position 1328, A replaced by G.
Protein change: p.Asn443Ser; replaces asparagine 443 with serine.
Molecular consequence: missense variant.
Genome position (GRCh38, 1-based): chr11:674,711, T>C on the plus strand (A>G on the coding strand, the complement: DEAF1 is on the minus strand). VCF-style: chr11-674711-T-C. GRCh37 (hg19) VCF-style: chr11-674711-T-C.
Other names: c.1061A>G, p.Asn354Ser (NM_001293634.2); c.602A>G, p.Asn201Ser (NM_001367390.1); short protein forms N201S, N354S, N443S.
Identifiers: ClinVar variation 1000363 (VCV001000363.7), dbSNP rs373166398, ClinGen allele CA5786238.